The following is an entry in ClinVar:

ClinVar aggregate classification (germline): Uncertain significance (1 of 4 stars; one submission).

Conditions:
Long QT syndrome (LQTS). Identifiers: MedGen C0023976, MeSH D008133, MONDO:0002442. Disease mechanism: loss of function. Inheritance: Various modes of inheritance.

Submission:

Labcorp Genetics (formerly Invitae), Labcorp
Classification: Uncertain significance for Long QT syndrome. Last evaluated: 2022-11-17. Review status: criteria provided, single submitter. Criteria: Invitae Variant Classification Sherloc (09022015). Collection method: clinical testing. Allele origin: germline.
Comment: In summary, the available evidence is currently insufficient to determine the role of this variant in disease. Therefore, it has been classified as a Variant of Uncertain Significance. Advanced modeling of protein sequence and biophysical properties (such as structural, functional, and spatial information, amino acid conservation, physicochemical variation, residue mobility, and thermodynamic stability) performed at Invitae indicates that this missense variant is not expected to disrupt CACNA1C protein function. This variant has not been reported in the literature in individuals affected with CACNA1C-related conditions. This variant is not present in population databases (gnomAD no frequency). This sequence change replaces proline, which is neutral and non-polar, with histidine, which is basic and polar, at codon 2090 of the CACNA1C protein (p.Pro2090His).

NM_000719.7(CACNA1C):c.6269C>A (p.Pro2090His)

Genes: CACNA1C (calcium voltage-gated channel subunit alpha1 C; plus strand), CACNA1C-AS1 (CACNA1C antisense RNA 1; minus strand). Cytogenetic location: 12p13.33.
Variant type: single nucleotide variant.
Coding change: c.6269C>A on transcript NM_000719.7 (MANE Select); coding-DNA position 6269, C replaced by A.
Protein change: p.Pro2090His; replaces proline 2090 with histidine.
Molecular consequence: missense variant.
Genome position (GRCh38, 1-based): chr12:2,691,051, C>A. VCF-style: chr12-2691051-C-A. GRCh37 (hg19) VCF-style: chr12-2800217-C-A.
Other names: c.6329C>A, p.Pro2110His (NM_001129832.2); c.6326C>A, p.Pro2109His (NM_001129833.2, NM_001129834.2, NM_001129835.2); c.6320C>A, p.Pro2107His (NM_001129836.2); c.6293C>A, p.Pro2098His (NM_001129837.2, NM_001129838.2); c.6287C>A, p.Pro2096His (NM_001129839.2); c.6413C>A, p.Pro2138His (NM_001129827.2); c.6392C>A, p.Pro2131His (NM_001129829.2); c.6374C>A, p.Pro2125His (NM_001129830.3, NM_001167624.3); and 6 more; short protein forms P2090H, P2131H, P2079H, P2096H, P2125H, P2098H, P2118H, P2150H.
Identifiers: ClinVar variation 2814819 (VCV002814819.3), dbSNP rs2535501591, ClinGen allele CA383386801.